The following is an entry in ClinVar:

NM_000053.4(ATP7B):c.459dup (p.Cys154fs)

Gene: ATP7B (ATPase copper transporting beta; minus strand). Cytogenetic location: 13q14.3.
Variant type: Duplication.
Coding change: c.459dup on transcript NM_000053.4 (MANE Select); coding-DNA position 459, one base duplicated (C; older notation c.459dupC).
Protein change: p.Cys154fs; shifts the reading frame from cysteine 154.
Molecular consequence: frameshift variant.
Genome position (GRCh38, 1-based): chr13:51,974,761, G duplicated on the plus strand (C on the coding strand, the reverse complement: ATP7B is on the minus strand); the first of 2 consecutive G bases (chr13:51,974,761-51,974,762); duplicating either gives the same sequence. VCF-style (leftmost placement, unchanged base first): chr13-51974760-A-AG. GRCh37 (hg19) VCF-style: chr13-52548896-A-AG.
Other names: c.459dup, p.Cys154fs (NM_001005918.3, NM_001243182.2, NM_001330578.2 and 30 more transcripts); c.363dup, p.Cys122fs (NM_001406517.1, NM_001406518.1, NM_001406530.1 and 4 more transcripts); short protein forms C122fs, C154fs.
Identifiers: ClinVar variation 5011852 (VCV005011852.1).

ClinVar aggregate classification (germline): Pathogenic (1 of 4 stars; one submission).

Conditions:
Wilson disease (WND). Also called: Wilson's disease. Identifiers: Orphanet 905, MedGen C0019202, MONDO:0010200, OMIM 277900. Disease mechanism: loss of function.

Submission:

Myriad Genetics, Inc.
Classification: Pathogenic for Wilson disease. Last evaluated: 2023-09-27. Review status: criteria provided, single submitter. Criteria: Myriad Autosomal Dominant, Autosomal Recessive and X-Linked Classification Criteria (2023). Collection method: clinical testing. Allele origin: unknown.
Comment: NM_000053.3(ATP7B):c.459dupC(C154Lfs*9) is expected to be pathogenic in the context of Wilson disease. This variant is predicted to lead to an abnormal or absent protein product due to the creation of a premature termination codon in ATP7B, a gene where loss-of-function variants are known to be pathogenic. Please note: this variant was assessed in the context of healthy population screening.